The following is an entry in ClinVar:

NM_004333.6(BRAF):c.112G>T (p.Ala38Ser)

Gene: BRAF (B-Raf proto-oncogene, serine/threonine kinase; minus strand). Cytogenetic location: 7q34.
Variant type: single nucleotide variant.
Coding change: c.112G>T on transcript NM_004333.6 (MANE Select); coding-DNA position 112, G replaced by T.
Protein change: p.Ala38Ser; replaces alanine 38 with serine.
Molecular consequence: missense variant.
Genome position (GRCh38, 1-based): chr7:140,924,592, C>A on the plus strand (G>T on the coding strand, the complement: BRAF is on the minus strand). VCF-style: chr7-140924592-C-A. GRCh37 (hg19) VCF-style: chr7-140624392-C-A.
Other names: c.112G>T, p.Ala38Ser (NM_001354609.2, NM_001374244.1, NM_001374258.1 and 7 more transcripts); short protein forms A38S.
Identifiers: ClinVar variation 2574391 (VCV002574391.1), dbSNP rs1011563467, ClinGen allele CA369590080.

ClinVar aggregate classification (germline): Uncertain significance (1 of 4 stars; one submission).

gnomAD v4.1: 1 of 1,530,252 alleles (0.000065%); highest among the groups gnomAD compares: Non-Finnish European, 0.000087%; no homozygotes.

Submission:

GeneDx
Classification: Uncertain significance. Last evaluated: 2023-01-25. Review status: criteria provided, single submitter. Criteria: GeneDx Variant Classification Process June 2021. Collection method: clinical testing. Allele origin: germline. Affected: yes.
Comment: Not observed at significant frequency in large population cohorts (gnomAD); Missense variants in this gene are often considered pathogenic (HGMD); In silico analysis supports that this missense variant does not alter protein structure/function; Has not been previously published as pathogenic or benign to our knowledge